The following is an entry in ClinVar:

NM_000540.3(RYR1):c.4100C>A (p.Ala1367Glu)

Gene: RYR1 (ryanodine receptor 1; plus strand). Cytogenetic location: 19q13.2.
Variant type: single nucleotide variant.
Coding change: c.4100C>A on transcript NM_000540.3 (MANE Select); coding-DNA position 4100, C replaced by A.
Protein change: p.Ala1367Glu; replaces alanine 1367 with glutamic acid.
Molecular consequence: missense variant.
Genome position (GRCh38, 1-based): chr19:38,473,711, C>A. VCF-style: chr19-38473711-C-A. GRCh37 (hg19) VCF-style: chr19-38964351-C-A.
Other names: c.4100C>A, p.Ala1367Glu (NM_001042723.2); short protein forms A1367E.
Identifiers: ClinVar variation 3675670 (VCV003675670.2).

ClinVar aggregate classification (germline): Uncertain significance (1 of 4 stars; one submission).

Conditions:
RYR1-related disorder. Also called: RYR1-related condition; RYR1-related disorders. Identifiers: MedGen CN239331.

Submission:

Labcorp Genetics (formerly Invitae), Labcorp
Classification: Uncertain significance for RYR1-related disorder. Last evaluated: 2024-04-04. Review status: criteria provided, single submitter. Criteria: Invitae Variant Classification Sherloc (09022015). Collection method: clinical testing. Allele origin: germline.
Comment: This sequence change replaces alanine, which is neutral and non-polar, with glutamic acid, which is acidic and polar, at codon 1367 of the RYR1 protein (p.Ala1367Glu). This variant is not present in population databases (gnomAD no frequency). This variant has not been reported in the literature in individuals affected with RYR1-related conditions. Advanced modeling of protein sequence and biophysical properties (such as structural, functional, and spatial information, amino acid conservation, physicochemical variation, residue mobility, and thermodynamic stability) has been performed at Invitae for this missense variant, however the output from this modeling did not meet the statistical confidence thresholds required to predict the impact of this variant on RYR1 protein function. In summary, the available evidence is currently insufficient to determine the role of this variant in disease. Therefore, it has been classified as a Variant of Uncertain Significance.